The following is an entry in ClinVar:

ClinVar aggregate classification (germline): Conflicting classifications of pathogenicity. Review status: criteria provided, conflicting classifications (1 of 4 stars). 3 submissions from 3 submitters: Pathogenic (1); Uncertain significance (2). Last evaluated 2025-03-18.

Conditions:
Inborn genetic diseases. Identifiers: MedGen C0950123, MeSH D030342.
Thyroid dyshormonogenesis 6 (TDH6). Also called: HYPOTHYROIDISM, CONGENITAL, DUE TO DYSHORMONOGENESIS, 6; THYROID HORMONOGENESIS, GENETIC DEFECT IN, 6; Genetic transient congenital hypothyroidism. Identifiers: Orphanet 226316, Orphanet 95716, MedGen C1846632, MONDO:0011792, OMIM 607200.

Allele frequency attached by ClinVar (database versions not stated): gnomAD 0.00001; gnomAD exomes 0.00001 and 0.00003; ExAC 0.00002; TOPMed 0.00003.
gnomAD v4.1: 11 of 1,613,964 alleles (0.00068%); highest among the groups gnomAD compares: East Asian, 0.022%; no homozygotes.

Submissions (3):

Labcorp Genetics (formerly Invitae), Labcorp
Classification: Uncertain significance. Last evaluated: 2025-03-18. Review status: criteria provided, single submitter. Criteria: Invitae Variant Classification Sherloc (09022015). Collection method: clinical testing. Allele origin: germline.
Comment: This sequence change replaces tyrosine, which is neutral and polar, with histidine, which is basic and polar, at codon 1450 of the DUOX2 protein (p.Tyr1450His). This variant is present in population databases (rs753591292, gnomAD 0.03%). This missense change has been observed in individual(s) with congenital hypothyroidism (PMID: 26709262, 32425884, 34564849). ClinVar contains an entry for this variant (Variation ID: 1522435). Invitae Evidence Modeling of protein sequence and biophysical properties (such as structural, functional, and spatial information, amino acid conservation, physicochemical variation, residue mobility, and thermodynamic stability) indicates that this missense variant is expected to disrupt DUOX2 protein function with a positive predictive value of 95%. Experimental studies have shown that this missense change affects DUOX2 function (PMID: 34564849). In summary, the available evidence is currently insufficient to determine the role of this variant in disease. Therefore, it has been classified as a Variant of Uncertain Significance.

Ambry Genetics
Classification: Pathogenic for Inborn genetic diseases. Last evaluated: 2025-03-07. Review status: criteria provided, single submitter. Criteria: Ambry Variant Classification Scheme 2023. Collection method: clinical testing. Allele origin: germline.
Comment: The c.4348T>C (p.Y1450H) alteration is located in exon 32 (coding exon 31) of the DUOX2 gene. This alteration results from a T to C substitution at nucleotide position 4348, causing the tyrosine (Y) at amino acid position 1450 to be replaced by a histidine (H). Based on data from gnomAD, the C allele has an overall frequency of 0.003% (7/251458) total alleles studied. The highest observed frequency was 0.038% (7/18394) of East Asian alleles. This variant has been identified in the homozygous state and/or in conjunction with other DUOX2 variant(s) in individual(s) with features consistent with DUOX2-related thyroid dyshormonogenesis (Park, 2016; Sun, 2021; Gong, 2022); in at least one instance, the variants were identified in trans (Sun, 2021; Gong, 2022). This amino acid position is highly conserved in available vertebrate species. In an assay testing DUOX2 function, this variant showed a functionally abnormal result (Sun, 2021). This alteration is predicted to be deleterious by in silico analysis. Based on the available evidence, this alteration is classified as pathogenic.

Juno Genomics, Hangzhou Juno Genomics, Inc
Classification: Uncertain significance for Thyroid dyshormonogenesis 6. Review status: criteria provided, single submitter. Criteria: ACMG Guidelines, 2015. Collection method: clinical testing. Allele origin: germline.
Comment: Absent from controls (or at extremely low frequency if recessive) in Genome Aggregation Database.;Multiple lines of computational evidence support a deleterious effect on the gene or gene product.;For recessive disorders, detected in trans with a pathogenic variant.;Patient's phenotype or family history is highly specific for a disease with a single genetic etiology.

Literature cited by the submitters: PubMed 26709262 (cited by Labcorp Genetics (formerly Invitae), Labcorp and Ambry Genetics); PubMed 32425884 (cited by Labcorp Genetics (formerly Invitae), Labcorp); PubMed 34564849 (cited by Labcorp Genetics (formerly Invitae), Labcorp and Ambry Genetics); PubMed 36207832 (cited by Ambry Genetics).

NM_001363711.2(DUOX2):c.4348T>C (p.Tyr1450His)

Gene: DUOX2 (dual oxidase 2; minus strand). Cytogenetic location: 15q21.1.
Variant type: single nucleotide variant.
Coding change: c.4348T>C on transcript NM_001363711.2 (MANE Select); coding-DNA position 4348, T replaced by C.
Protein change: p.Tyr1450His; replaces tyrosine 1450 with histidine.
Molecular consequence: missense variant.
Genome position (GRCh38, 1-based): chr15:45,094,983, A>G on the plus strand (T>C on the coding strand, the complement: DUOX2 is on the minus strand). VCF-style: chr15-45094983-A-G. GRCh37 (hg19) VCF-style: chr15-45387181-A-G.
Other names: c.4348T>C, p.Tyr1450His (NM_014080.5); c.4348T>C (NM_014080.4); short protein forms Y1450H.
Identifiers: ClinVar variation 1522435 (VCV001522435.9), dbSNP rs753591292, ClinGen allele CA7537559.